The following is an entry in ClinVar:

ClinVar aggregate classification (germline): Benign/Likely benign. Review status: criteria provided, multiple submitters, no conflicts (2 of 4 stars). 6 submissions from 6 submitters: Benign (5); Likely benign (1). Last evaluated 2026-02-02.

Conditions:
Ichthyosis linearis circumflexa. Identifiers: MedGen C0265962, MONDO:0043106, HP:0025810.
Netherton syndrome (NETH). Also called: NETHERTON DISEASE; ERYTHRODERMA, ICHTHYOSIFORM, WITH HYPOTRICHOSIS AND HYPER-IgE; COMEL-NETHERTON SYNDROME. Identifiers: Orphanet 634, MedGen C5574950, MONDO:0009735, OMIM 256500.

Allele frequency attached by ClinVar (database versions not stated): gnomAD exomes 0.01043; gnomAD 0.04028 and 0.04324; ExAC 0.01273; 1000 Genomes Project 0.04293; TOPMed 0.04668; ESP Exome Variant Server 0.04466; 1000 Genomes Project 30x 0.04560.
gnomAD v4.1: 12,169 of 1,613,774 alleles (0.75%); highest among the groups gnomAD compares: African/African-American, 14%; 760 homozygotes.

Submissions (6):

Labcorp Genetics (formerly Invitae), Labcorp
Classification: Benign for Ichthyosis linearis circumflexa. Last evaluated: 2026-02-02. Review status: criteria provided, single submitter. Criteria: Invitae Variant Classification Sherloc (09022015). Collection method: clinical testing. Allele origin: germline.

Women's Health and Genetics/Laboratory Corporation of America, LabCorp
Classification: Likely benign. Last evaluated: 2026-01-22. Review status: criteria provided, single submitter. Criteria: LabCorp Variant Classification Summary - May 2015. Collection method: clinical testing. Allele origin: germline.

Mayo Clinic Laboratories, Mayo Clinic
Classification: Benign. Last evaluated: 2021-07-02. Review status: criteria provided, single submitter. Criteria: ACMG Guidelines, 2015. Collection method: clinical testing. Allele origin: germline. Observed: 6 variant alleles.

Illumina Laboratory Services, Illumina
Classification: Benign for Netherton syndrome. Last evaluated: 2018-01-12. Review status: criteria provided, single submitter. Criteria: ICSL Variant Classification Criteria 13 December 2019. Collection method: clinical testing. Allele origin: germline.
Comment: This variant was observed in the ICSL laboratory as part of a predisposition screen in an ostensibly healthy population. It had not been previously curated by ICSL or reported in the Human Gene Mutation Database (HGMD: prior to June 1st, 2018), and was therefore a candidate for classification through an automated scoring system. Utilizing variant allele frequency, disease prevalence and penetrance estimates, and inheritance mode, an automated score was calculated to assess if this variant is too frequent to cause the disease. Based on the score and internal cut-off values, a variant classified as benign is not then subjected to further curation. The score for this variant resulted in a classification of benign for this disease.

GeneDx
Classification: Benign. Last evaluated: 2015-03-03. Review status: criteria provided, single submitter. Criteria: GeneDx Variant Classification Process June 2021. Collection method: clinical testing. Allele origin: germline. Affected: yes.

PreventionGenetics, part of Exact Sciences
Classification: Benign. Review status: criteria provided, single submitter. Criteria: ACMG Guidelines, 2015. Collection method: clinical testing. Allele origin: germline.

NM_006846.4(SPINK5):c.2661C>G (p.Ser887Arg)

Gene: SPINK5 (serine peptidase inhibitor Kazal type 5; plus strand). Cytogenetic location: 5q32.
Variant type: single nucleotide variant.
Coding change: c.2661C>G on transcript NM_006846.4 (MANE Select); coding-DNA position 2661, C replaced by G.
Protein change: p.Ser887Arg; replaces serine 887 with arginine.
Molecular consequence: missense variant.
Genome position (GRCh38, 1-based): chr5:148,123,955, C>G. VCF-style: chr5-148123955-C-G. GRCh37 (hg19) VCF-style: chr5-147503518-C-G.
Other names: c.2661C>G, p.Ser887Arg (NM_001127698.2, NM_001127699.2); short protein forms S887R.
Identifiers: ClinVar variation 260052 (VCV000260052.18), dbSNP rs28408445, ClinGen allele CA3496050.